The following is an entry in ClinVar:

NM_130384.3(ATRIP):c.2128A>G (p.Thr710Ala)

Genes: ATRIP (ATR interacting protein; plus strand), ATRIP-TREX1 (ATRIP-TREX1 readthrough; plus strand). Cytogenetic location: 3p21.31.
Variant type: single nucleotide variant.
Coding change: c.2128A>G on transcript NM_130384.3 (MANE Select); coding-DNA position 2128, A replaced by G.
Protein change: p.Thr710Ala; replaces threonine 710 with alanine.
Molecular consequence: missense variant. On other transcripts: non-coding transcript variant (1).
Genome position (GRCh38, 1-based): chr3:48,464,903, A>G. VCF-style: chr3-48464903-A-G. GRCh37 (hg19) VCF-style: chr3-48506302-A-G.
Other names: c.1747A>G, p.Thr583Ala (NM_001271022.2); c.1849A>G, p.Thr617Ala (NM_001271023.2); c.2047A>G, p.Thr683Ala (NM_032166.4); short protein forms T617A, T683A, T583A, T710A.
Identifiers: ClinVar variation 3810568 (VCV003810568.1).

ClinVar aggregate classification (germline): Uncertain significance (1 of 4 stars; one submission).

Submission:

Ambry Genetics
Classification: Uncertain significance. Last evaluated: 2025-02-08. Review status: criteria provided, single submitter. Criteria: Ambry Variant Classification Scheme 2023. Collection method: clinical testing. Allele origin: germline.
Comment: The p.T710A variant (also known as c.2128A>G), located in coding exon 12 of the ATRIP gene, results from an A to G substitution at nucleotide position 2128. The threonine at codon 710 is replaced by alanine, an amino acid with similar properties. This amino acid position is conserved. In addition, this alteration is predicted to be tolerated by in silico analysis. Based on the available evidence, the clinical significance of this variant remains unclear.